The following is an entry in ClinVar:

ClinVar aggregate classification (germline): Likely benign. Review status: criteria provided, multiple submitters, no conflicts (2 of 4 stars). 3 submissions from 3 submitters: Likely benign (3). Last evaluated 2021-12-27.

Conditions:
Inborn genetic diseases. Identifiers: MedGen C0950123, MeSH D030342.
Charcot-Marie-Tooth disease axonal type 2P. Also called: CHARCOT-MARIE-TOOTH NEUROPATHY, TYPE 2P; CHARCOT-MARIE-TOOTH DISEASE, AXONAL, TYPE 2G; CMT 2G; Charcot-Marie-Tooth Neuropathy Type 2G. Identifiers: Orphanet 300319, Orphanet 99941, MedGen C3280797, MONDO:0013753, OMIM 614436.

Allele frequency attached by ClinVar (database versions not stated): gnomAD exomes below 0.00001; TOPMed below 0.00001; gnomAD 0.00001.
gnomAD v4.1: 7 of 1,613,764 alleles (0.00043%); highest among the groups gnomAD compares: Admixed American, 0.0017%; no homozygotes.

Submissions (3):

Labcorp Genetics (formerly Invitae), Labcorp
Classification: Likely benign for Charcot-Marie-Tooth disease axonal type 2P. Last evaluated: 2021-12-27. Review status: criteria provided, single submitter. Criteria: Invitae Variant Classification Sherloc (09022015). Collection method: clinical testing. Allele origin: germline.

Ambry Genetics
Classification: Likely benign for Inborn genetic diseases. Last evaluated: 2019-07-11. Review status: criteria provided, single submitter. Criteria: Ambry Variant Classification Scheme 2023. Collection method: clinical testing. Allele origin: germline.

GeneDx
Classification: Likely benign. Last evaluated: 2016-01-05. Review status: criteria provided, single submitter. Criteria: GeneDx Variant Classification (06012015). Collection method: clinical testing. Allele origin: germline. Affected: yes.
Comment: This variant is considered likely benign or benign based on one or more of the following criteria: it is a conservative change, it occurs at a poorly conserved position in the protein, it is predicted to be benign by multiple in silico algorithms, and/or has population frequency not consistent with disease.

NM_001005373.4(LRSAM1):c.63G>A (p.Gln21=)

Gene: LRSAM1 (leucine rich repeat and sterile alpha motif containing 1; plus strand). Cytogenetic location: 9q33.3.
Variant type: single nucleotide variant.
Coding change: c.63G>A on transcript NM_001005373.4 (MANE Select); coding-DNA position 63, G replaced by A.
Protein change: p.Gln21=; no amino-acid change (glutamine 21 retained).
Molecular consequence: synonymous variant. On other transcripts: 5 prime UTR variant (1), non-coding transcript variant (2).
Genome position (GRCh38, 1-based): chr9:127,454,590, G>A. VCF-style: chr9-127454590-G-A. GRCh37 (hg19) VCF-style: chr9-130216869-G-A.
Other names: c.63G>A, p.Gln21= (NM_001005374.4, NM_001190723.3, NM_001384142.1 and 2 more transcripts); c.-722G>A (NM_001384144.1); c.63G>A (NM_138361.4).
Identifiers: ClinVar variation 382392 (VCV000382392.7), dbSNP rs1057521344, ClinGen allele CA16605312.